The following is an entry in ClinVar:

NM_183357.3(ADCY5):c.2307G>A (p.Ser769=)

Gene: ADCY5 (adenylate cyclase 5; minus strand). Cytogenetic location: 3q21.1.
Variant type: single nucleotide variant.
Coding change: c.2307G>A on transcript NM_183357.3 (MANE Select); coding-DNA position 2307, G replaced by A.
Protein change: p.Ser769=; no amino-acid change (serine 769 retained).
Molecular consequence: synonymous variant.
Genome position (GRCh38, 1-based): chr3:123,318,067, C>T on the plus strand (G>A on the coding strand, the complement: ADCY5 is on the minus strand). VCF-style: chr3-123318067-C-T. GRCh37 (hg19) VCF-style: chr3-123036914-C-T.
Other names: c.1257G>A, p.Ser419= (NM_001199642.1); c.2307G>A, p.Ser769= (NM_001378259.1).
Identifiers: ClinVar variation 1536568 (VCV001536568.36), dbSNP rs200652199, ClinGen allele CA2577175.

ClinVar aggregate classification (germline): Likely benign. Review status: criteria provided, multiple submitters, no conflicts (2 of 4 stars). 3 submissions from 3 submitters: Likely benign (3). Last evaluated 2024-10-03.

Allele frequency attached by ClinVar (database versions not stated): ESP Exome Variant Server 0.00008.
gnomAD v4.1: 785 of 1,613,872 alleles (0.049%); highest among the groups gnomAD compares: Non-Finnish European, 0.063%; no homozygotes.

Submissions (3):

Blueprint Genetics
Classification: Likely benign. Last evaluated: 2024-10-03. Review status: criteria provided, single submitter. Criteria: ACMG Guidelines, 2015. Collection method: clinical testing. Allele origin: germline.

Labcorp Genetics (formerly Invitae), Labcorp
Classification: Likely benign. Last evaluated: 2023-11-13. Review status: criteria provided, single submitter. Criteria: Invitae Variant Classification Sherloc (09022015). Collection method: clinical testing. Allele origin: germline.

CeGaT Center for Human Genetics Tuebingen
Classification: Likely benign. Last evaluated: 2023-02-01. Review status: criteria provided, single submitter. Criteria: CeGaT Center For Human Genetics Tuebingen Variant Classification Criteria Version 2. Collection method: clinical testing. Allele origin: germline. Affected: yes. Observed: 1 variant allele.
Comment: ADCY5: BP4, BP7